The following is an entry in ClinVar:

NM_032977.4(CASP10):c.1387T>A (p.Cys463Ser)

Gene: CASP10 (caspase 10; plus strand). Cytogenetic location: 2q33.1.
Variant type: single nucleotide variant.
Coding change: c.1387T>A on transcript NM_032977.4 (MANE Select); coding-DNA position 1387, T replaced by A.
Protein change: p.Cys463Ser; replaces cysteine 463 with serine.
Molecular consequence: missense variant. On other transcripts: 3 prime UTR variant (1).
Genome position (GRCh38, 1-based): chr2:201,209,534, T>A. VCF-style: chr2-201209534-T-A. GRCh37 (hg19) VCF-style: chr2-202074257-T-A.
Other names: c.1186T>A, p.Cys396Ser (NM_001206524.2); c.1258T>A, p.Cys420Ser (NM_001206542.2, NM_001230.5); c.1387T>A, p.Cys463Ser (NM_032974.5); c.*473T>A (NM_032976.4); short protein forms C463S, C396S, C420S.
Identifiers: ClinVar variation 1951627 (VCV001951627.7), dbSNP rs773678365, ClinGen allele CA2053233.

ClinVar aggregate classification (germline): Uncertain significance. Review status: criteria provided, multiple submitters, no conflicts (2 of 4 stars). 2 submissions from 2 submitters: Uncertain significance (2). Last evaluated 2025-06-16.

Conditions:
Autoimmune lymphoproliferative syndrome type 2A (ALPS2A). Also called: AUTOIMMUNE LYMPHOPROLIFERATIVE SYNDROME, TYPE IIA; CASP10-Related Autoimmune Lymphoproliferative Syndrome; Autoimmune lymphoproliferative syndrome type 2. Identifiers: Orphanet 3261, MedGen C1858968, MONDO:0011383, OMIM 603909.

Allele frequency attached by ClinVar (database versions not stated): ExAC 0.00001; gnomAD 0.00001; TOPMed 0.00001.
gnomAD v4.1: 7 of 1,610,946 alleles (0.00043%); highest among the groups gnomAD compares: East Asian, 0.016%; no homozygotes.

Submissions (2):

Labcorp Genetics (formerly Invitae), Labcorp
Classification: Uncertain significance for Autoimmune lymphoproliferative syndrome type 2A. Last evaluated: 2025-06-16. Review status: criteria provided, single submitter. Criteria: Invitae Variant Classification Sherloc (09022015). Collection method: clinical testing. Allele origin: germline.
Comment: This sequence change replaces cysteine, which is neutral and slightly polar, with serine, which is neutral and polar, at codon 463 of the CASP10 protein (p.Cys463Ser). This variant is present in population databases (rs773678365, gnomAD 0.05%). This variant has not been reported in the literature in individuals affected with CASP10-related conditions. ClinVar contains an entry for this variant (Variation ID: 1951627). Invitae Evidence Modeling of protein sequence and biophysical properties (such as structural, functional, and spatial information, amino acid conservation, physicochemical variation, residue mobility, and thermodynamic stability) indicates that this missense variant is not expected to disrupt CASP10 protein function with a negative predictive value of 80%. In summary, the available evidence is currently insufficient to determine the role of this variant in disease. Therefore, it has been classified as a Variant of Uncertain Significance.

Ambry Genetics
Classification: Uncertain significance. Last evaluated: 2023-07-11. Review status: criteria provided, single submitter. Criteria: Ambry Variant Classification Scheme 2023. Collection method: clinical testing. Allele origin: germline.